The following is an entry in ClinVar:

NM_024105.4(ALG12):c.436C>T (p.Arg146Trp)

Gene: ALG12 (ALG12 alpha-1,6-mannosyltransferase; minus strand). Cytogenetic location: 22q13.33.
Variant type: single nucleotide variant.
Coding change: c.436C>T on transcript NM_024105.4 (MANE Select); coding-DNA position 436, C replaced by T.
Protein change: p.Arg146Trp; replaces arginine 146 with tryptophan.
Molecular consequence: missense variant.
Genome position (GRCh38, 1-based): chr22:49,910,467, G>A on the plus strand (C>T on the coding strand, the complement: ALG12 is on the minus strand). VCF-style: chr22-49910467-G-A. GRCh37 (hg19) VCF-style: chr22-50304115-G-A.
Other names: short protein forms R146W.
Identifiers: ClinVar variation 596305 (VCV000596305.11), dbSNP rs567368110, ClinGen allele CA10300621.
Genomic context (GRCh38, chr22:49,910,467, plus strand): 5'-GTGCAGGCCCGGCCGGCAGCTACGTACCTACAGGCAGGGCCAGCACATTGGGCAGTGTCC[G>A]CGTGCAGTAGAACATCAGGTGGAACTGCATGGCCGTCACCCAGCAGAACATGGTGGCCAC-3'
Protein context (NP_077010.1, residues 136-156): MQFHLMFYCT[Arg146Trp]TLPNVLALPV

ClinVar aggregate classification (germline): Conflicting classifications of pathogenicity. Review status: criteria provided, conflicting classifications (1 of 4 stars). 3 submissions from 3 submitters: Likely pathogenic (1); Uncertain significance (2). Last evaluated 2025-07-14.

Conditions:
ALG12-congenital disorder of glycosylation (CDG1G). Also called: Congenital disorder of glycosylation, type Ig; ALG12-CDG; CDG Ig. Identifiers: Orphanet 79324, MedGen C2931001, MONDO:0011783, OMIM 607143.

Allele frequency attached by ClinVar (database versions not stated): ExAC 0.00002; TOPMed 0.00004; gnomAD exomes 0.00003; gnomAD 0.00005.
gnomAD v4.1: 46 of 1,613,676 alleles (0.0029%); highest among the groups gnomAD compares: African/African-American, 0.015%; no homozygotes.

Submissions (3):

Variantyx, Inc.
Classification: Likely pathogenic for ALG12-congenital disorder of glycosylation. Last evaluated: 2025-07-14. Review status: criteria provided, single submitter. Criteria: Variantyx Assertion Criteria 2022. Collection method: clinical testing. Allele origin: germline. Inheritance: Autosomal recessive inheritance. Affected: yes.
Comment: This is a nonsynonymous variant in the ALG12 gene (OMIM: 607144). Pathogenic variants in this gene have been associated with autosomal recessive ALG12-congenital disorder of glycosylation. This variant has not been reported in individuals with ALG12-related disorders in the databases available for review. The clinical symptoms reported for this individual are highly specific for autosomal recessive ALG12-congenital disorder of glycosylation, which has a limited genetic etiology (PMID: 20301507) (PP4), and an alternate amino acid change at this position (p.Arg146Gln) has been previously reported in similarly affected individuals, which suggests that this residue is biologically important (PMID: 12217961, 17506107, 30266093) (PM5). Multiple computational algorithms predict a deleterious effect for this variant (REVEL score: 0.756) (PP3). This variant has a 0.0147% maximum allele frequency in non-founder control populations (PM2). Based on the current evidence, this variant is classified as likely pathogenic for autosomal recessive ALG12-congenital disorder of glycosylation.

Labcorp Genetics (formerly Invitae), Labcorp
Classification: Uncertain significance for ALG12-congenital disorder of glycosylation. Last evaluated: 2023-11-27. Review status: criteria provided, single submitter. Criteria: Invitae Variant Classification Sherloc (09022015). Collection method: clinical testing. Allele origin: germline.
Comment: This sequence change replaces arginine, which is basic and polar, with tryptophan, which is neutral and slightly polar, at codon 146 of the ALG12 protein (p.Arg146Trp). This variant is present in population databases (rs567368110, gnomAD 0.01%). This variant has not been reported in the literature in individuals affected with ALG12-related conditions. ClinVar contains an entry for this variant (Variation ID: 596305). Advanced modeling of protein sequence and biophysical properties (such as structural, functional, and spatial information, amino acid conservation, physicochemical variation, residue mobility, and thermodynamic stability) performed at Invitae indicates that this missense variant is expected to disrupt ALG12 protein function with a positive predictive value of 80%. In summary, the available evidence is currently insufficient to determine the role of this variant in disease. Therefore, it has been classified as a Variant of Uncertain Significance.

Eurofins Ntd Llc (ga)
Classification: Uncertain significance. Last evaluated: 2018-02-26. Review status: criteria provided, single submitter. Criteria: EGL ClinVar v180209 classification definitions. Collection method: clinical testing. Allele origin: germline. Observed: 1 variant allele, 1 heterozygote.

Literature cited by the submitters: PubMed 12217961 (cited by Variantyx, Inc.); PubMed 17506107 (cited by Variantyx, Inc.); PubMed 30266093 (cited by Variantyx, Inc.); PubMed 20301507 (cited by Variantyx, Inc.).